The following is an entry in ClinVar:

NM_144643.4(SCLT1):c.22C>G (p.Leu8Val)

Gene: SCLT1 (sodium channel and clathrin linker 1; minus strand). Cytogenetic location: 4q28.2.
Variant type: single nucleotide variant.
Coding change: c.22C>G on transcript NM_144643.4 (MANE Select); coding-DNA position 22, C replaced by G.
Protein change: p.Leu8Val; replaces leucine 8 with valine.
Molecular consequence: missense variant.
Genome position (GRCh38, 1-based): chr4:129,093,082, G>C on the plus strand (C>G on the coding strand, the complement: SCLT1 is on the minus strand). VCF-style: chr4-129093082-G-C. GRCh37 (hg19) VCF-style: chr4-130014237-G-C.
Other names: c.22C>G, p.Leu8Val (NM_001300897.2, NM_001300898.2, NM_001410807.1); short protein forms L8V.
Identifiers: ClinVar variation 4997417 (VCV004997417.1).
Genomic context (GRCh38, chr4:129,093,082, plus strand): 5'-ACGATATTAAACATTGTATATGAAGTCTCAAAAAAACATGGAGCTTACTTTGCTCTCTCA[G>C]AAAGTCGATTTCTGCAGCCATTTCGATACAATTTTAGTTTAGAGCTTTCACCACCTTTAC-3'
Protein context (NP_653244.2, residues 1-18): MAAEIDF[Leu8Val]REQNRRLNED

ClinVar aggregate classification (germline): Uncertain significance (1 of 4 stars; one submission).

Conditions:
SCLT1-related disorder. Also called: SCLT1-related condition.

gnomAD v4.1: 3 of 1,612,496 alleles (0.00019%); highest among the groups gnomAD compares: African/African-American, 0.004%; no homozygotes.

Submission:

PreventionGenetics, part of Exact Sciences
Classification: Uncertain significance for SCLT1-related condition. Last evaluated: 2025-03-21. Review status: criteria provided, single submitter. Criteria: ACMG Guidelines, 2015. Collection method: clinical testing. Allele origin: germline.
Comment: The SCLT1 c.22C>G variant is predicted to result in the amino acid substitution p.Leu8Val. To our knowledge, this variant has not been reported in the literature or in a large population database (gnomAD), indicating this variant is rare. At this time, the clinical significance of this variant is uncertain due to the absence of conclusive functional and genetic evidence.